The following is an entry in ClinVar:

NM_001368882.1(COL13A1):c.257C>G (p.Thr86Arg)

Gene: COL13A1 (collagen type XIII alpha 1 chain; plus strand). Cytogenetic location: 10q22.1.
Variant type: single nucleotide variant.
Coding change: c.257C>G on transcript NM_001368882.1 (MANE Select); coding-DNA position 257, C replaced by G.
Protein change: p.Thr86Arg; replaces threonine 86 with arginine.
Molecular consequence: missense variant. On other transcripts: 5 prime UTR variant (1).
Genome position (GRCh38, 1-based): chr10:69,802,680, C>G. VCF-style: chr10-69802680-C-G. GRCh37 (hg19) VCF-style: chr10-71562436-C-G.
Other names: c.257C>G, p.Thr86Arg (NM_001130103.2, NM_001320951.2, NM_001368883.1 and 11 more transcripts); c.-397C>G (NM_001368886.1); short protein forms T86R.
Identifiers: ClinVar variation 2093095 (VCV002093095.5), dbSNP rs773062844, ClinGen allele CA5534015.
Genomic context (GRCh38, chr10:69,802,680, plus strand): 5'-CCGAGCTGCAGGCCCGGGTGCTGCGCCTGGAAGCGGAGCGCGGGGAGCAGCAAATGGAGA[C>G]GGCTATTTTGGGACGAGTCAATCAACTGCTGGACGAGGTCTGTGCTCTTTGTTGCTGGCT-3'
Protein context (NP_001355811.1, residues 76-96): EAERGEQQME[Thr86Arg]AILGRVNQLL

ClinVar aggregate classification (germline): Uncertain significance. Review status: criteria provided, multiple submitters, no conflicts (2 of 4 stars). 2 submissions from 2 submitters: Uncertain significance (2). Last evaluated 2022-06-01.

Conditions:
Inborn genetic diseases. Identifiers: MedGen C0950123, MeSH D030342.

Allele frequency attached by ClinVar (database versions not stated): TOPMed below 0.00001; gnomAD 0.00001; gnomAD exomes 0.00001; ExAC 0.00002.
gnomAD v4.1: 4 of 1,613,346 alleles (0.00025%); highest among the groups gnomAD compares: Non-Finnish European, 0.00034%; no homozygotes.

Submissions (2):

Labcorp Genetics (formerly Invitae), Labcorp
Classification: Uncertain significance. Last evaluated: 2022-06-01. Review status: criteria provided, single submitter. Criteria: Invitae Variant Classification Sherloc (09022015). Collection method: clinical testing. Allele origin: germline.
Comment: In summary, the available evidence is currently insufficient to determine the role of this variant in disease. Therefore, it has been classified as a Variant of Uncertain Significance. Algorithms developed to predict the effect of missense changes on protein structure and function are either unavailable or do not agree on the potential impact of this missense change (SIFT: "Tolerated"; PolyPhen-2: "Possibly Damaging"; Align-GVGD: "Class C0"). This variant has not been reported in the literature in individuals affected with COL13A1-related conditions. This variant is present in population databases (rs773062844, gnomAD 0.003%). This sequence change replaces threonine, which is neutral and polar, with arginine, which is basic and polar, at codon 86 of the COL13A1 protein (p.Thr86Arg).

Ambry Genetics
Classification: Uncertain significance for Inborn genetic diseases. Last evaluated: 2021-06-18. Review status: criteria provided, single submitter. Criteria: Ambry Variant Classification Scheme 2023. Collection method: clinical testing. Allele origin: germline.